The following is an entry in ClinVar:

NM_201384.3(PLEC):c.2698C>T (p.Arg900Cys)

Gene: PLEC (plectin; minus strand). Cytogenetic location: 8q24.3.
Variant type: single nucleotide variant.
Coding change: c.2698C>T on transcript NM_201384.3 (MANE Select); coding-DNA position 2698, C replaced by T.
Protein change: p.Arg900Cys; replaces arginine 900 with cysteine.
Molecular consequence: missense variant.
Genome position (GRCh38, 1-based): chr8:143,929,977, G>A on the plus strand (C>T on the coding strand, the complement: PLEC is on the minus strand). VCF-style: chr8-143929977-G-A. GRCh37 (hg19) VCF-style: chr8-145004145-G-A.
Other names: c.2779C>T, p.Arg927Cys (NM_000445.5); c.2656C>T, p.Arg886Cys (NM_201378.4); c.2632C>T, p.Arg878Cys (NM_201379.3); c.3109C>T, p.Arg1037Cys (NM_201380.4); c.2602C>T, p.Arg868Cys (NM_201381.3); c.2698C>T, p.Arg900Cys (NM_201382.4); c.2710C>T, p.Arg904Cys (NM_201383.3); short protein forms R904C, R927C, R878C, R868C, R886C, R900C, R1037C.
Identifiers: ClinVar variation 570122 (VCV000570122.5), dbSNP rs782542783, ClinGen allele CA4927414.

ClinVar aggregate classification (germline): Uncertain significance. Review status: criteria provided, multiple submitters, no conflicts (2 of 4 stars). 2 submissions from 2 submitters: Uncertain significance (2). Last evaluated 2025-09-11.

Conditions:
PLEC-related disorder. Also called: PLEC-related disorders; PLEC-related condition.
Epidermolysis bullosa simplex 5C, with pyloric atresia (EBS5C). Also called: PLEC-Related Epidermolysis Bullosa with Pyloric Atresia; PLEC1-Related Epidermolysis Bullosa with Pyloric Atresia; Epidermolysis bullosa simplex with pyloric atresia. Identifiers: Orphanet 158684, MedGen C2677349, MONDO:0012807, OMIM 612138.
Epidermolysis bullosa simplex, Ogna type (EBS5A). Also called: Pidermolysis bullosa simplex 5A, Ogna type; EPIDERMOLYSIS BULLOSA SIMPLEX 5A, OGNA TYPE. Identifiers: Orphanet 79401, MedGen C0432317, MONDO:0007555, OMIM 131950.
Epidermolysis bullosa simplex 5B, with muscular dystrophy (EBS5B). Also called: Epidermolysis bullosa simplex with muscular dystrophy; EPIDERMOLYSIS BULLOSA SIMPLEX AND LIMB-GIRDLE MUSCULAR DYSTROPHY. Identifiers: Orphanet 257, MedGen C2931072, MONDO:0009181, OMIM 226670.
Epidermolysis bullosa simplex with nail dystrophy (EBS5D). Identifiers: MedGen C4225309, MONDO:0014661, OMIM 616487.
Autosomal recessive limb-girdle muscular dystrophy type 2Q (LGMDR17). Also called: MUSCULAR DYSTROPHY, LIMB-GIRDLE, AUTOSOMAL RECESSIVE 17. Identifiers: Orphanet 254361, MedGen C3150989, MONDO:0013390, OMIM 613723.

Allele frequency attached by ClinVar (database versions not stated): gnomAD 0.00001; ExAC 0.00002; gnomAD exomes 0.00002.
gnomAD v4.1: 36 of 1,611,570 alleles (0.0022%); highest among the groups gnomAD compares: Non-Finnish European, 0.0026%; no homozygotes.

Submissions (2):

PreventionGenetics, part of Exact Sciences
Classification: Uncertain significance for PLEC-related condition. Last evaluated: 2025-09-11. Review status: criteria provided, single submitter. Criteria: ACMG Guidelines, 2015. Collection method: clinical testing. Allele origin: germline.
Comment: The PLEC c.2779C>T variant is predicted to result in the amino acid substitution p.Arg927Cys. To our knowledge, this variant has not been reported in the literature. This variant is reported in 0.0036% of alleles in individuals of European (Non-Finnish) descent in gnomAD. At this time, the clinical significance of this variant is uncertain due to the absence of conclusive functional and genetic evidence.

Labcorp Genetics (formerly Invitae), Labcorp
Classification: Uncertain significance for Autosomal recessive limb-girdle muscular dystrophy type 2Q; Epidermolysis bullosa simplex, Ogna type; Epidermolysis bullosa simplex with nail dystrophy; Epidermolysis bullosa simplex 5C, with pyloric atresia; Epidermolysis bullosa simplex 5B, with muscular dystrophy. Last evaluated: 2023-03-03. Review status: criteria provided, single submitter. Criteria: Invitae Variant Classification Sherloc (09022015). Collection method: clinical testing. Allele origin: germline.
Comment: This sequence change replaces arginine, which is basic and polar, with cysteine, which is neutral and slightly polar, at codon 927 of the PLEC protein (p.Arg927Cys). This variant is present in population databases (rs782542783, gnomAD 0.004%). This variant has not been reported in the literature in individuals affected with PLEC-related conditions. ClinVar contains an entry for this variant (Variation ID: 570122). Algorithms developed to predict the effect of missense changes on protein structure and function output the following: SIFT: "Not Available"; PolyPhen-2: "Not Available"; Align-GVGD: "Not Available". The cysteine amino acid residue is found in multiple mammalian species, which suggests that this missense change does not adversely affect protein function. In summary, the available evidence is currently insufficient to determine the role of this variant in disease. Therefore, it has been classified as a Variant of Uncertain Significance.